The following is an entry in ClinVar:

ClinVar aggregate classification (germline): Uncertain significance (1 of 4 stars; one submission).

Conditions:
Progressive myoclonic epilepsy. Also called: Familial progressive myoclonic epilepsy; Myoclonic Epilepsies, Progressive; Myoclonus epilepsy; Progressive myoclonus epilepsy. Identifiers: Orphanet 308, Orphanet 98261, MedGen C0751778, MONDO:0020074.

Submission:

Labcorp Genetics (formerly Invitae), Labcorp
Classification: Uncertain significance for Progressive myoclonic epilepsy. Last evaluated: 2022-07-19. Review status: criteria provided, single submitter. Criteria: Invitae Variant Classification Sherloc (09022015). Collection method: clinical testing. Allele origin: germline.
Comment: This variant has not been reported in the literature in individuals affected with EPM2A-related conditions. In summary, the available evidence is currently insufficient to determine the role of this variant in disease. Therefore, it has been classified as a Variant of Uncertain Significance. Algorithms developed to predict the effect of missense changes on protein structure and function are either unavailable or do not agree on the potential impact of this missense change (SIFT: "Deleterious"; PolyPhen-2: "Probably Damaging"; Align-GVGD: "Class C0"). This variant is not present in population databases (gnomAD no frequency). This sequence change replaces asparagine, which is neutral and polar, with serine, which is neutral and polar, at codon 116 of the EPM2A protein (p.Asn116Ser).

NM_005670.4(EPM2A):c.347A>G (p.Asn116Ser)

Gene: EPM2A (EPM2A glucan phosphatase, laforin; minus strand). Cytogenetic location: 6q24.3.
Variant type: single nucleotide variant.
Coding change: c.347A>G on transcript NM_005670.4 (MANE Select); coding-DNA position 347, A replaced by G.
Protein change: p.Asn116Ser; replaces asparagine 116 with serine.
Molecular consequence: missense variant. On other transcripts: 5 prime UTR variant (5), non-coding transcript variant (1).
Genome position (GRCh38, 1-based): chr6:145,686,251, T>C on the plus strand (A>G on the coding strand, the complement: EPM2A is on the minus strand). VCF-style: chr6-145686251-T-C. GRCh37 (hg19) VCF-style: chr6-146007387-T-C.
Other names: c.347A>G, p.Asn116Ser (NM_001018041.2, NM_001360057.2, NM_001368130.1); c.-68A>G (NM_001360064.2, NM_001360071.2, NM_001368131.1); c.-277A>G (NM_001368129.2, NM_001368132.1); short protein forms N116S.
Identifiers: ClinVar variation 1719848 (VCV001719848.5), dbSNP rs2533941271, ClinGen allele CA366188686.